The following is an entry in ClinVar:

ClinVar aggregate classification (germline): Benign/Likely benign. Review status: criteria provided, multiple submitters, no conflicts (2 of 4 stars). 3 submissions from 3 submitters: Benign (1); Likely benign (1). 1 of the submissions does not count toward it. Last evaluated 2026-01-15.

Conditions:
EP300-related disorder. Also called: EP300-related disorders; EP300-related condition.
Rubinstein-Taybi syndrome due to EP300 haploinsufficiency. Also called: RUBINSTEIN-TAYBI SYNDROME 2; EP300-Related Rubinstein-Taybi Syndrome. Identifiers: Orphanet 353284, Orphanet 783, MedGen C3150941, MONDO:0013364, OMIM 613684.

Allele frequency attached by ClinVar (database versions not stated): gnomAD exomes 0.00007 and 0.00026; gnomAD 0.00010 and 0.00018; TOPMed 0.00015; ExAC 0.00026; 1000 Genomes Project 0.00120; 1000 Genomes Project 30x 0.00125.
gnomAD v4.1: 144 of 1,614,170 alleles (0.0089%); highest among the groups gnomAD compares: East Asian, 0.27%; 1 homozygote.

Submissions (4):

Labcorp Genetics (formerly Invitae), Labcorp
Classification: Benign for Rubinstein-Taybi syndrome due to EP300 haploinsufficiency. Last evaluated: 2026-01-15. Review status: criteria provided, single submitter. Criteria: Invitae Variant Classification Sherloc (09022015). Collection method: clinical testing. Allele origin: germline.

Blueprint Genetics
Classification: Likely benign. Last evaluated: 2024-09-09. Review status: criteria provided, single submitter. Criteria: ACMG Guidelines, 2015. Collection method: clinical testing. Allele origin: germline.

PreventionGenetics, part of Exact Sciences
Classification: Likely benign for EP300-related condition. Last evaluated: 2021-07-26. Review status: no assertion criteria provided. Collection method: clinical testing. Allele origin: germline. Not counted in ClinVar's aggregate classification.
Comment: This variant is classified as likely benign based on ACMG/AMP sequence variant interpretation guidelines (Richards et al. 2015 PMID: 25741868, with internal and published modifications).

Dr. Peter K. Rogan Lab, Western University
No classification provided (evidence only). Condition: Malignant tumor of esophagus. Review status: no classification provided. Collection method: in vitro. Allele origin: not applicable. Functional consequence: retained intron. Not counted in ClinVar's aggregate classification.

NM_001429.4(EP300):c.2925A>G (p.Glu975=)

Genes: EP300 (EP300 lysine acetyltransferase; plus strand), LOC126863158 (BRD4-independent group 4 enhancer GRCh37_chr22:41547383-41548582; plus strand). Cytogenetic location: 22q13.2.
Variant type: single nucleotide variant.
Coding change: c.2925A>G on transcript NM_001429.4 (MANE Select); coding-DNA position 2925, A replaced by G.
Protein change: p.Glu975=; no amino-acid change (glutamic acid 975 retained).
Molecular consequence: synonymous variant.
Genome position (GRCh38, 1-based): chr22:41,151,940, A>G. VCF-style: chr22-41151940-A-G. GRCh37 (hg19) VCF-style: chr22-41547944-A-G.
Other names: c.2847A>G, p.Glu949= (NM_001362843.2).
Identifiers: ClinVar variation 712721 (VCV000712721.12), dbSNP rs75752076, ClinGen allele CA10252996.